The following is an entry in ClinVar:

ClinVar aggregate classification (germline): Conflicting classifications of pathogenicity. Review status: criteria provided, conflicting classifications (1 of 4 stars). 2 submissions from 2 submitters: Pathogenic (1); Uncertain significance (1). Last evaluated 2024-03-02.

Conditions:
Rhabdoid tumor predisposition syndrome 2 (RTPS2). Identifiers: Orphanet 231108, Orphanet 69077, MedGen C2750074, MONDO:0013224, OMIM 613325.

Submissions (2):

Labcorp Genetics (formerly Invitae), Labcorp
Classification: Uncertain significance for Rhabdoid tumor predisposition syndrome 2. Last evaluated: 2024-03-02. Review status: criteria provided, single submitter. Criteria: Invitae Variant Classification Sherloc (09022015). Collection method: clinical testing. Allele origin: germline.
Comment: This sequence change replaces glycine, which is neutral and non-polar, with aspartic acid, which is acidic and polar, at codon 761 of the SMARCA4 protein (p.Gly761Asp). This variant is not present in population databases (gnomAD no frequency). This missense change has been observed in individual(s) with clinical features of SMARCA4-related conditions (PMID: 32686290). Advanced modeling of protein sequence and biophysical properties (such as structural, functional, and spatial information, amino acid conservation, physicochemical variation, residue mobility, and thermodynamic stability) performed at Invitae indicates that this missense variant is expected to disrupt SMARCA4 protein function with a positive predictive value of 95%. In summary, the available evidence is currently insufficient to determine the role of this variant in disease. Therefore, it has been classified as a Variant of Uncertain Significance.

GeneDx
Classification: Pathogenic. Last evaluated: 2023-09-30. Review status: criteria provided, single submitter. Criteria: GeneDx Variant Classification Process June 2021. Collection method: clinical testing. Allele origin: germline. Affected: yes.
Comment: Reported in a patient with clinical features of Coffin Siris syndrome in the published literature, though with limited details provided regarding inheritance and testing methods (Li et al., 2020); Not observed at significant frequency in large population cohorts (gnomAD); In silico analysis supports that this missense variant has a deleterious effect on protein structure/function; This variant is associated with the following publications: (PMID: 24658002, 32686290)

Literature cited by the submitters: PubMed 32686290 (cited by Labcorp Genetics (formerly Invitae), Labcorp).

NM_003072.5(SMARCA4):c.2282G>A (p.Gly761Asp)

Gene: SMARCA4 (SWI/SNF related BAF chromatin remodeling complex subunit ATPase 4; plus strand). Cytogenetic location: 19p13.2.
Variant type: single nucleotide variant.
Coding change: c.2282G>A on transcript NM_003072.5 (MANE Select); coding-DNA position 2282, G replaced by A.
Protein change: p.Gly761Asp; replaces glycine 761 with aspartic acid.
Molecular consequence: missense variant. On other transcripts: non-coding transcript variant (1).
Genome position (GRCh38, 1-based): chr19:11,012,956, G>A. VCF-style: chr19-11012956-G-A. GRCh37 (hg19) VCF-style: chr19-11123632-G-A.
Other names: c.2282G>A, p.Gly761Asp (NM_001128844.3, NM_001128845.2, NM_001128846.2 and 6 more transcripts); short protein forms G761D.
Identifiers: ClinVar variation 3253289 (VCV003253289.3), dbSNP rs2514697058.